The following is an entry in ClinVar:

NM_018006.5(TRMU):c.873+1G>C

Gene: TRMU (tRNA mitochondrial 2-thiouridylase; plus strand). Cytogenetic location: 22q13.31.
Variant type: single nucleotide variant.
Coding change: c.873+1G>C on transcript NM_018006.5 (MANE Select); the canonical splice donor site of the intron after coding-DNA position 873, G replaced by C.
Molecular consequence: splice donor variant.
Genome position (GRCh38, 1-based): chr22:46,353,868, G>C. VCF-style: chr22-46353868-G-C. GRCh37 (hg19) VCF-style: chr22-46749765-G-C.
Other names: c.873+1G>C (NM_001282785.2); c.531+1G>C (NM_001282782.2); c.453+1G>C (NM_001282783.2, NM_001282784.2).
Identifiers: ClinVar variation 1704580 (VCV001704580.1), dbSNP rs2518202180, ClinGen allele CA411947395.

ClinVar aggregate classification (germline): Likely pathogenic (1 of 4 stars; one submission).

Conditions:
Acute infantile liver failure due to synthesis defect of mtDNA-encoded proteins. Also called: LIVER FAILURE, INFANTILE, TRANSIENT; Liver failure acute infantile; TRMU Deficiency. Identifiers: Orphanet 217371, MedGen C3278664, MONDO:0013111, OMIM 613070.

Submission:

Women's Health and Genetics/Laboratory Corporation of America, LabCorp
Classification: Likely pathogenic for Acute infantile liver failure due to synthesis defect of mtDNA-encoded proteins. Last evaluated: 2022-07-18. Review status: criteria provided, single submitter. Criteria: LabCorp Variant Classification Summary - May 2015. Collection method: clinical testing. Allele origin: germline.
Comment: Variant summary: TRMU c.873+1G>C is located in a canonical splice-site and is predicted to affect mRNA splicing resulting in a significantly altered protein due to either exon skipping, shortening, or inclusion of intronic material. Several computational tools predict a significant impact on normal splicing: Four predict the variant abolishes a 5 prime splicing donor site. However, these predictions have yet to be confirmed by functional studies. The variant was absent in 251198 control chromosomes. To our knowledge, no occurrence of c.873+1G>C in individuals affected with Liver Failure Acute Infantile, Transient and no experimental evidence demonstrating its impact on protein function have been reported. No clinical diagnostic laboratories have submitted clinical-significance assessments for this variant to ClinVar after 2014. Based on the evidence outlined above, the variant was classified as likely pathogenic.